The following is an entry in ClinVar:

ClinVar aggregate classification (germline): Pathogenic (1 of 4 stars; one submission).

Conditions:
Hereditary cancer-predisposing syndrome. Also called: Neoplastic Syndromes, Hereditary; Tumor predisposition; Hereditary neoplastic syndrome; Hereditary Cancer Syndrome. Identifiers: Orphanet 140162, MedGen C0027672, MeSH D009386, MONDO:0015356.

Submission:

Ambry Genetics
Classification: Pathogenic for Hereditary cancer-predisposing syndrome. Last evaluated: 2025-05-16. Review status: criteria provided, single submitter. Criteria: Ambry Variant Classification Scheme 2023. Collection method: clinical testing. Allele origin: germline.
Comment: The c.1051_1052dupTA pathogenic mutation, located in coding exon 7 of the MEN1 gene, results from a duplication of TA at nucleotide position 1051, causing a translational frameshift with a predicted alternate stop codon (p.N352Tfs*17). This variant is considered to be rare based on population cohorts in the Genome Aggregation Database (gnomAD). This alteration is expected to result in loss of function by premature protein truncation or nonsense-mediated mRNA decay. As such, this alteration is interpreted as a disease-causing mutation.

NM_001370259.2(MEN1):c.1051_1052dup (p.Asn352fs)

Gene: MEN1 (menin 1; minus strand). Cytogenetic location: 11q13.1.
Variant type: Duplication.
Coding change: c.1051_1052dup on transcript NM_001370259.2 (MANE Select); coding-DNA positions 1051 to 1052, 2 bases duplicated (TA; older notation c.1051_1052dupTA).
Protein change: p.Asn352fs; shifts the reading frame from asparagine 352.
Molecular consequence: frameshift variant. On other transcripts: non-coding transcript variant (4).
Genome position (GRCh38, 1-based): chr11:64,805,768-64,805,769, TA duplicated on the plus strand (TA on the coding strand, the reverse complement: MEN1 is on the minus strand). VCF-style (leftmost placement, unchanged base first): chr11-64805767-G-GTA. GRCh37 (hg19) VCF-style: chr11-64573239-G-GTA.
Other names: c.1051_1052dupTA (NM_130799.2); c.1066_1067dup, p.Asn357fs (NM_000244.4, NM_001407145.1, NM_130800.3 and 4 more transcripts); c.1177_1178dup, p.Asn394fs (NM_001370251.2, NM_001407142.1, NM_001407143.1 and 1 more transcripts); c.1051_1052dup, p.Asn352fs (NM_001370260.2, NM_001370261.2, NM_001407146.1 and 3 more transcripts); c.946_947dup, p.Asn317fs (NM_001370262.2, NM_001370263.2, NM_001407148.1 and 1 more transcripts); c.1192_1193dup, p.Asn399fs (NM_001407150.1); c.1072_1073dup, p.Asn359fs (NM_001407151.1); short protein forms N352fs, N317fs, N357fs, N359fs, N399fs, N394fs.
Identifiers: ClinVar variation 4053800 (VCV004053800.1).